The following is an entry in ClinVar:

ClinVar aggregate classification (germline): Benign (1 of 4 stars; one submission).

Conditions:
Familial cancer of breast. Also called: Hereditary breast cancer; hereditary breast carcinoma; BREAST CANCER, FAMILIAL. Identifiers: Orphanet 227535, MedGen C0346153, MONDO:0016419, OMIM 114480. Disease mechanism: loss of function.

Submission:

Myriad Genetics, Inc.
Classification: Benign for Familial cancer of breast. Last evaluated: 2025-01-13. Review status: criteria provided, single submitter. Criteria: Myriad Autosomal Dominant, Autosomal Recessive and X-Linked Classification Criteria (2023). Collection method: clinical testing. Allele origin: unknown.
Comment: This variant is considered benign. This variant is a silent/synonymous amino acid change and it is not expected to impact splicing.

NM_024675.4(PALB2):c.969A>G (p.Ala323=)

Gene: PALB2 (partner and localizer of BRCA2; minus strand). Cytogenetic location: 16p12.2.
Variant type: single nucleotide variant.
Coding change: c.969A>G on transcript NM_024675.4 (MANE Select); coding-DNA position 969, A replaced by G.
Protein change: p.Ala323=; no amino-acid change (alanine 323 retained).
Molecular consequence: synonymous variant. On other transcripts: intron variant (3).
Genome position (GRCh38, 1-based): chr16:23,635,577, T>C on the plus strand (A>G on the coding strand, the complement: PALB2 is on the minus strand). VCF-style: chr16-23635577-T-C. GRCh37 (hg19) VCF-style: chr16-23646898-T-C.
Other names: c.969A>G, p.Ala323= (NM_001407299.1, NM_001407301.1, NM_001407302.1 and 3 more transcripts); c.909A>G, p.Ala303= (NM_001407296.1); c.84A>G, p.Ala28= (NM_001407304.1, NM_001407305.1, NM_001407306.1 and 5 more transcripts); c.48+5533A>G (NM_001407314.1); c.-104-5108A>G (NM_001407313.1, NM_001407312.1).
Identifiers: ClinVar variation 3903442 (VCV003903442.1).